The following is an entry in ClinVar:

ClinVar aggregate classification (germline): Benign/Likely benign. Review status: criteria provided, multiple submitters, no conflicts (2 of 4 stars). 8 submissions from 8 submitters: Benign (5); Likely benign (1). 2 of the submissions do not count toward it. Last evaluated 2026-02-02.

Conditions:
6-Pyruvoyl-tetrahydrobiopterin synthase deficiency. Also called: PTS-Related Tetrahydrobiopterin Deficiency; HYPERPHENYLALANINEMIA, TETRAHYDROBIOPTERIN-DEFICIENT, DUE TO PTS DEFICIENCY; Hyperphenylalanemia, BH4-deficient, A; Hyperphenylalaninemia due to 6-pyruvoyl-tetrahydropterin synthase deficiency; 6-Pyruvoyltetrahydropterin Synthase Deficiency; BH4-deficient hyperphenylalaninemia A. Identifiers: Orphanet 13, Orphanet 238583, MedGen C0878676, MONDO:0009863, OMIM 261640.
PTS-related disorder. Also called: PTS-related condition.

Allele frequency attached by ClinVar (database versions not stated): gnomAD exomes 0.01018 and 0.01379; ExAC 0.01557; gnomAD 0.03671 and 0.03898; TOPMed 0.04033; 1000 Genomes Project 0.04093; ESP Exome Variant Server 0.04263; 1000 Genomes Project 30x 0.04403.
gnomAD v4.1: 20,651 of 1,613,636 alleles (1.3%); highest among the groups gnomAD compares: African/African-American, 11%; 514 homozygotes.

Submissions (8):

Labcorp Genetics (formerly Invitae), Labcorp
Classification: Benign for 6-Pyruvoyl-tetrahydrobiopterin synthase deficiency. Last evaluated: 2026-02-02. Review status: criteria provided, single submitter. Criteria: Invitae Variant Classification Sherloc (09022015). Collection method: clinical testing. Allele origin: germline.

Blueprint Genetics
Classification: Likely benign. Last evaluated: 2024-11-27. Review status: criteria provided, single submitter. Criteria: ACMG Guidelines, 2015. Collection method: clinical testing. Allele origin: germline.

Genome-Nilou Lab
Classification: Benign for 6-Pyruvoyl-tetrahydrobiopterin synthase deficiency. Last evaluated: 2021-07-01. Review status: criteria provided, single submitter. Criteria: ACMG Guidelines, 2015. Collection method: clinical testing. Allele origin: germline. Affected: no.

Illumina Laboratory Services, Illumina
Classification: Benign for 6-Pyruvoyl-tetrahydrobiopterin synthase deficiency. Last evaluated: 2018-01-13. Review status: criteria provided, single submitter. Criteria: ICSL Variant Classification Criteria 13 December 2019. Collection method: clinical testing. Allele origin: germline.
Comment: This variant was observed in the ICSL laboratory as part of a predisposition screen in an ostensibly healthy population. It had not been previously curated by ICSL or reported in the Human Gene Mutation Database (HGMD: prior to June 1st, 2018), and was therefore a candidate for classification through an automated scoring system. Utilizing variant allele frequency, disease prevalence and penetrance estimates, and inheritance mode, an automated score was calculated to assess if this variant is too frequent to cause the disease. Based on the score and internal cut-off values, a variant classified as benign is not then subjected to further curation. The score for this variant resulted in a classification of benign for this disease.

GeneDx
Classification: Benign. Last evaluated: 2016-11-22. Review status: criteria provided, single submitter. Criteria: GeneDx Variant Classification (06012015). Collection method: clinical testing. Allele origin: germline. Affected: yes.
Comment: This variant is considered likely benign or benign based on one or more of the following criteria: it is a conservative change, it occurs at a poorly conserved position in the protein, it is predicted to be benign by multiple in silico algorithms, and/or has population frequency not consistent with disease.

Breakthrough Genomics
Classification: Benign. Review status: criteria provided, single submitter. Criteria: ACMG Guidelines, 2015. Collection method: not provided. Allele origin: germline. Inheritance: Autosomal recessive inheritance. Affected: yes.

Natera, Inc.
Classification: Benign for 6-Pyruvoyl-tetrahydrobiopterin synthase deficiency. Last evaluated: 2020-09-16. Review status: no assertion criteria provided. Collection method: clinical testing. Allele origin: germline. Not counted in ClinVar's aggregate classification.

PreventionGenetics, part of Exact Sciences
Classification: Benign for PTS-related condition. Last evaluated: 2019-05-14. Review status: no assertion criteria provided. Collection method: clinical testing. Allele origin: germline. Not counted in ClinVar's aggregate classification.
Comment: This variant is classified as benign based on ACMG/AMP sequence variant interpretation guidelines (Richards et al. 2015 PMID: 25741868, with internal and published modifications).

NM_000317.3(PTS):c.405T>C (p.Thr135=)

Gene: PTS (6-pyruvoyltetrahydropterin synthase; plus strand). Cytogenetic location: 11q23.1.
Variant type: single nucleotide variant.
Coding change: c.405T>C on transcript NM_000317.3 (MANE Select); coding-DNA position 405, T replaced by C.
Protein change: p.Thr135=; no amino-acid change (threonine 135 retained).
Molecular consequence: synonymous variant.
Genome position (GRCh38, 1-based): chr11:112,233,522, T>C. VCF-style: chr11-112233522-T-C. GRCh37 (hg19) VCF-style: chr11-112104245-T-C.
Identifiers: ClinVar variation 302499 (VCV000302499.25), dbSNP rs59731976, ClinGen allele CA6278600.
Genomic context (GRCh38, chr11:112,233,522, plus strand): 5'-GGACAACCTCCAGAAAGTTCTTCCTGTAGGAGTTCTTTATAAAGTAAAAGTATACGAAAC[T>C]GACAATAATATTGTGGTTTATAAAGGAGAATAGCTATTGGGGTTAGCATTGCACAAAGCC-3'
Protein context (NP_000308.1, residues 125-145): GVLYKVKVYE[Thr135=]DNNIVVYKGE